The following is an entry in ClinVar:

NM_022124.6(CDH23):c.3493C>T (p.Pro1165Ser)

Genes: C10orf105 (chromosome 10 open reading frame 105; minus strand), CDH23 (cadherin related 23; plus strand). Cytogenetic location: 10q22.1.
Variant type: single nucleotide variant.
Coding change: c.3493C>T on transcript NM_022124.6 (MANE Select); coding-DNA position 3493, C replaced by T.
Protein change: p.Pro1165Ser; replaces proline 1165 with serine.
Molecular consequence: missense variant. On other transcripts: intron variant (1).
Genome position (GRCh38, 1-based): chr10:71,725,434, C>T. VCF-style: chr10-71725434-C-T. GRCh37 (hg19) VCF-style: chr10-73485191-C-T.
Other names: c.3493C>T, p.Pro1165Ser (NM_001171930.2); c.-5-9092G>A (NM_001168390.2); short protein forms P1165S.
Identifiers: ClinVar variation 862559 (VCV000862559.8), dbSNP rs373622821, ClinGen allele CA5544748.
Genomic context (GRCh38, chr10:71,725,434, plus strand): 5'-AACCATGGCAACAACTTCCGGATCCATGTCAGCAATGGGCTCCTGATGCGAGGGCCCCGG[C>T]CCCTGGACCGGGAGCGGAACTCATCCCACGTGCTGATAGTGGAGGCCTACAACCACGACC-3'
Protein context (NP_071407.4, residues 1155-1175): SNGLLMRGPR[Pro1165Ser]LDRERNSSHV

ClinVar aggregate classification (germline): Uncertain significance. Review status: criteria provided, multiple submitters, no conflicts (2 of 4 stars). 4 submissions from 4 submitters: Uncertain significance (3). 1 of the submissions does not count toward it. Last evaluated 2024-10-04.

Conditions:
Usher syndrome type 1 (USH1). Also called: RETINITIS PIGMENTOSA AND CONGENITAL DEAFNESS. Identifiers: Orphanet 231169, Orphanet 886, MedGen C1568247, MONDO:0010168, OMIM 276900.
Inborn genetic diseases. Identifiers: MedGen C0950123, MeSH D030342.

Allele frequency attached by ClinVar (database versions not stated): gnomAD 0.00001; ExAC 0.00001; ESP Exome Variant Server 0.00008; gnomAD exomes 0.00001 and 0.00002; TOPMed 0.00002.
gnomAD v4.1: 36 of 1,613,904 alleles (0.0022%); highest among the groups gnomAD compares: Non-Finnish European, 0.003%; no homozygotes.

Submissions (4):

Blueprint Genetics
Classification: Uncertain significance. Last evaluated: 2024-10-04. Review status: criteria provided, single submitter. Criteria: ACMG Guidelines, 2015. Collection method: clinical testing. Allele origin: germline.

Ambry Genetics
Classification: Uncertain significance for Inborn genetic diseases. Last evaluated: 2024-01-17. Review status: criteria provided, single submitter. Criteria: Ambry Variant Classification Scheme 2023. Collection method: clinical testing. Allele origin: germline.

Labcorp Genetics (formerly Invitae), Labcorp
Classification: Uncertain significance. Last evaluated: 2022-05-11. Review status: criteria provided, single submitter. Criteria: Invitae Variant Classification Sherloc (09022015). Collection method: clinical testing. Allele origin: germline.
Comment: This sequence change replaces proline, which is neutral and non-polar, with serine, which is neutral and polar, at codon 1165 of the CDH23 protein (p.Pro1165Ser). This variant is present in population databases (rs373622821, gnomAD 0.0009%). This variant has not been reported in the literature in individuals affected with CDH23-related conditions. ClinVar contains an entry for this variant (Variation ID: 862559). Algorithms developed to predict the effect of missense changes on protein structure and function are either unavailable or do not agree on the potential impact of this missense change (SIFT: "Deleterious"; PolyPhen-2: "Not Available"; Align-GVGD: "Class C65"). In summary, the available evidence is currently insufficient to determine the role of this variant in disease. Therefore, it has been classified as a Variant of Uncertain Significance.

Natera, Inc.
Classification: Uncertain significance for Usher syndrome type 1. Last evaluated: 2020-09-28. Review status: no assertion criteria provided. Collection method: clinical testing. Allele origin: germline. Not counted in ClinVar's aggregate classification.